The following is an entry in ClinVar:

ClinVar aggregate classification (germline): Uncertain significance (1 of 4 stars; one submission).

Conditions:
Fibrous dysplasia of jaw (CRBM). Also called: Cherubism. Identifiers: Orphanet 184, MedGen C0008029, MONDO:0007315, OMIM 118400.

Submission:

Labcorp Genetics (formerly Invitae), Labcorp
Classification: Uncertain significance for Fibrous dysplasia of jaw. Last evaluated: 2025-06-06. Review status: criteria provided, single submitter. Criteria: Invitae Variant Classification Sherloc (09022015). Collection method: clinical testing. Allele origin: germline.
Comment: This sequence change replaces proline, which is neutral and non-polar, with serine, which is neutral and polar, at codon 202 of the SH3BP2 protein (p.Pro202Ser). This variant is not present in population databases (gnomAD no frequency). This variant has not been reported in the literature in individuals affected with SH3BP2-related conditions. Invitae Evidence Modeling of protein sequence and biophysical properties (such as structural, functional, and spatial information, amino acid conservation, physicochemical variation, residue mobility, and thermodynamic stability) has been performed for this missense variant. However, the output from this modeling did not meet the statistical confidence thresholds required to predict the impact of this variant on SH3BP2 protein function. In summary, the available evidence is currently insufficient to determine the role of this variant in disease. Therefore, it has been classified as a Variant of Uncertain Significance.

NM_001122681.2(SH3BP2):c.604C>T (p.Pro202Ser)

Gene: SH3BP2 (SH3 domain binding protein 2; plus strand). Cytogenetic location: 4p16.3.
Variant type: single nucleotide variant.
Coding change: c.604C>T on transcript NM_001122681.2 (MANE Select); coding-DNA position 604, C replaced by T.
Protein change: p.Pro202Ser; replaces proline 202 with serine.
Molecular consequence: missense variant.
Genome position (GRCh38, 1-based): chr4:2,829,510, C>T. VCF-style: chr4-2829510-C-T. GRCh37 (hg19) VCF-style: chr4-2831237-C-T.
Other names: c.688C>T, p.Pro230Ser (NM_001145855.2); c.775C>T, p.Pro259Ser (NM_001145856.2); c.604C>T, p.Pro202Ser (NM_003023.4); short protein forms P259S, P202S, P230S.
Identifiers: ClinVar variation 4718745 (VCV004718745.1).